The following is an entry in ClinVar:

ClinVar aggregate classification (germline): Uncertain significance (1 of 4 stars; one submission).

Conditions:
Melnick-Needles syndrome (MNS). Also called: MELNICK-NEEDLES OSTEODYSPLASTY; OSTEODYSPLASTY OF MELNICK AND NEEDLES; Melnick-Needles Syndrome (FLNA-MNS). Identifiers: Orphanet 2484, MedGen C0025237, MONDO:0010650, OMIM 309350.
Frontometaphyseal dysplasia (FMD1). Identifiers: Orphanet 1826, MedGen C0265293, MONDO:0015942.
Heterotopia, periventricular, X-linked dominant (PVNH1). Also called: PERIVENTRICULAR NODULAR HETEROTOPIA 1; X-linked periventricular heterotopia; PERIVENTRICULAR NODULAR HETEROTOPIA 4; HETEROTOPIA, PERIVENTRICULAR, 1. Identifiers: Orphanet 2149, Orphanet 82004, MedGen C1848213, MONDO:0010233, OMIM 300049.
Oto-palato-digital syndrome, type II (OPD2). Also called: FACIOPALATOOSSEOUS SYNDROME; OPD II SYNDROME; Otopalatodigital Syndrome, Type II; Otopalatodigital Syndrome Type 2 (FLNA-OPD2). Identifiers: Orphanet 669, Orphanet 90652, MedGen C1844696, MONDO:0010571, OMIM 304120.

Submission:

Labcorp Genetics (formerly Invitae), Labcorp
Classification: Uncertain significance for Oto-palato-digital syndrome, type II; Heterotopia, periventricular, X-linked dominant; Frontometaphyseal dysplasia; Melnick-Needles syndrome. Last evaluated: 2025-03-30. Review status: criteria provided, single submitter. Criteria: Invitae Variant Classification Sherloc (09022015). Collection method: clinical testing. Allele origin: germline.
Comment: This sequence change results in a frameshift in the FLNA gene (p.Asp2626Glyfs*116). While this is not anticipated to result in nonsense mediated decay, it is expected to disrupt the last 14 amino acid(s) of the FLNA protein and extend the protein by 101 additional amino acid residues. This variant is not present in population databases (gnomAD no frequency). This frameshift has been observed in individual(s) with clinical features of FLNA-related conditions (internal data). Algorithms developed to predict the effect of sequence changes on RNA splicing suggest that this variant may create or strengthen a splice site. This variant disrupts a region of the FLNA protein in which other variant(s) (p.Ser2632Ile) have been observed in individuals with FLNA-related conditions (PMID: 25686753). This suggests that this is a clinically significant region of the protein, and that variants that disrupt it are likely to be disease-causing. In summary, the available evidence is currently insufficient to determine the role of this variant in disease. Therefore, it has been classified as a Variant of Uncertain Significance.

Literature cited by the submitters: PubMed 25686753.

NM_001110556.2(FLNA):c.7900dup (p.Asp2634fs)

Genes: FLNA (filamin A; minus strand), LOC107988032 (Xq28 proximal FLNA-EMD recombination region; plus strand). Cytogenetic location: Xq28.
Variant type: Duplication.
Coding change: c.7900dup on transcript NM_001110556.2 (MANE Select); coding-DNA position 7900, one base duplicated (G; older notation c.7900dupG).
Protein change: p.Asp2634fs; shifts the reading frame from aspartic acid 2634.
Molecular consequence: frameshift variant.
Genome position (GRCh38, 1-based): chrX:154,348,893, C duplicated on the plus strand (G on the coding strand, the reverse complement: FLNA is on the minus strand); the first of 6 consecutive C bases (chrX:154,348,893-154,348,898); duplicating any one gives the same sequence. VCF-style (leftmost placement, unchanged base first): chrX-154348892-T-TC. GRCh37 (hg19) VCF-style: chrX-153577260-T-TC.
Other names: c.7876dup, p.Asp2626fs (NM_001456.4); short protein forms D2626fs, D2634fs.
Identifiers: ClinVar variation 3759786 (VCV003759786.2).